The following is an entry in ClinVar:

ClinVar aggregate classification (germline): Uncertain significance (1 of 4 stars; one submission).

Conditions:
Charcot-Marie-Tooth disease axonal type 2C (HMSN2C). Also called: CHARCOT-MARIE-TOOTH DISEASE, AXONAL, AUTOSOMAL DOMINANT, TYPE 2C; Charcot-Marie-Tooth Neuropathy Type 2C; Charcot-Marie-Tooth Disease Type 2, TRPV4-Related (CMT2C). Identifiers: Orphanet 99937, MedGen C1853710, MONDO:0011633, OMIM 606071.

Submission:

Labcorp Genetics (formerly Invitae), Labcorp
Classification: Uncertain significance for Charcot-Marie-Tooth disease axonal type 2C. Last evaluated: 2021-06-21. Review status: criteria provided, single submitter. Criteria: Invitae Variant Classification Sherloc (09022015). Collection method: clinical testing. Allele origin: germline.
Comment: In summary, the available evidence is currently insufficient to determine the role of this variant in disease. Therefore, it has been classified as a Variant of Uncertain Significance. Advanced modeling of protein sequence and biophysical properties (such as structural, functional, and spatial information, amino acid conservation, physicochemical variation, residue mobility, and thermodynamic stability) performed at Invitae indicates that this missense variant is not expected to disrupt TRPV4 protein function. This variant has not been reported in the literature in individuals with TRPV4-related conditions. This variant is not present in population databases (ExAC no frequency). This sequence change replaces arginine with glycine at codon 816 of the TRPV4 protein (p.Arg816Gly). The arginine residue is weakly conserved and there is a moderate physicochemical difference between arginine and glycine.

NM_021625.5(TRPV4):c.2446C>G (p.Arg816Gly)

Gene: TRPV4 (transient receptor potential cation channel subfamily V member 4; minus strand). Cytogenetic location: 12q24.11.
Variant type: single nucleotide variant.
Coding change: c.2446C>G on transcript NM_021625.5 (MANE Select); coding-DNA position 2446, C replaced by G.
Protein change: p.Arg816Gly; replaces arginine 816 with glycine.
Molecular consequence: missense variant.
Genome position (GRCh38, 1-based): chr12:109,784,328, G>C on the plus strand (C>G on the coding strand, the complement: TRPV4 is on the minus strand). VCF-style: chr12-109784328-G-C. GRCh37 (hg19) VCF-style: chr12-110222133-G-C.
Other names: c.2266C>G, p.Arg756Gly (NM_147204.3); c.2305C>G, p.Arg769Gly (NM_001177428.2); c.2344C>G, p.Arg782Gly (NM_001177431.2); c.2125C>G, p.Arg709Gly (NM_001177433.2); short protein forms R756G, R769G, R709G, R782G, R816G.
Identifiers: ClinVar variation 1485604 (VCV001485604.8), dbSNP rs748742151, ClinGen allele CA386648704.
Genomic context (GRCh38, chr12:109,784,328, plus strand): 5'-TGATGAGAATGGACTGGGGCTCCCCTCCGCACCCGCCCCTCCACTCACCCCTGCGGAGGC[G>C]GCCCACGGTATGCGAGAAGCCATAATACTGGTAGGTCTCATTCTTGCCCGGGTCCTCGTT-3'
Protein context (NP_067638.3, residues 806-826): QYYGFSHTVG[Arg816Gly]LRRDRWSSVV